The following is an entry in ClinVar:

ClinVar aggregate classification (germline): Benign. Review status: criteria provided, multiple submitters, no conflicts (2 of 4 stars). 11 submissions from 10 submitters: Benign (10). 1 of the submissions does not count toward it. Last evaluated 2026-05-08.

Conditions:
Ellis-van Creveld syndrome (EVC). Also called: Chondroectodermal dysplasia; MESOECTODERMAL DYSPLASIA. Identifiers: Orphanet 289, MedGen C0013903, MONDO:0009162, OMIM 225500.
Curry-Hall syndrome (WAD). Also called: WEYERS ACRODENTAL DYSOSTOSIS. Identifiers: Orphanet 952, MedGen C0457013, MONDO:0008673, OMIM 193530.

Allele frequency attached by ClinVar (database versions not stated): 1000 Genomes Project 30x 0.21424; 1000 Genomes Project 0.21745; TOPMed 0.26441; gnomAD 0.26624 and 0.26691; ESP Exome Variant Server 0.27380; ExAC 0.29247; gnomAD exomes 0.29765.
gnomAD v4.1: 507,083 of 1,613,844 alleles (31%); highest among the groups gnomAD compares: Non-Finnish European, 34%; 83,732 homozygotes.

Submissions (11):

Women's Health and Genetics/Laboratory Corporation of America, LabCorp
Classification: Benign. Last evaluated: 2026-05-08. Review status: criteria provided, single submitter. Criteria: LabCorp Variant Classification Summary - May 2015. Collection method: clinical testing. Allele origin: germline.

Labcorp Genetics (formerly Invitae), Labcorp
Classification: Benign for Curry-Hall syndrome; Ellis-van Creveld syndrome. Last evaluated: 2026-02-04. Review status: criteria provided, single submitter. Criteria: Invitae Variant Classification Sherloc (09022015). Collection method: clinical testing. Allele origin: germline.

Blueprint Genetics
Classification: Benign. Last evaluated: 2024-11-26. Review status: criteria provided, single submitter. Criteria: ACMG Guidelines, 2015. Collection method: clinical testing. Allele origin: germline.

Genome-Nilou Lab
Classification: Benign for Curry-Hall syndrome. Last evaluated: 2021-07-30. Review status: criteria provided, single submitter. Criteria: ACMG Guidelines, 2015. Collection method: clinical testing. Allele origin: germline. Affected: no.

Genome-Nilou Lab
Classification: Benign for Ellis-van Creveld syndrome. Last evaluated: 2021-07-30. Review status: criteria provided, single submitter. Criteria: ACMG Guidelines, 2015. Collection method: clinical testing. Allele origin: germline. Affected: no.

Pars Genome Lab
Classification: Benign for Ellis-van Creveld syndrome. Last evaluated: 2021-06-15. Review status: criteria provided, single submitter. Criteria: ACMG Guidelines, 2015. Collection method: clinical testing. Allele origin: germline. Affected: no.

Illumina Laboratory Services, Illumina
Classification: Benign for Ellis-van Creveld syndrome. Last evaluated: 2018-01-13. Review status: criteria provided, single submitter. Criteria: ICSL Variant Classification Criteria 13 December 2019. Collection method: clinical testing. Allele origin: germline.
Comment: This variant was observed in the ICSL laboratory as part of a predisposition screen in an ostensibly healthy population. It had not been previously curated by ICSL or reported in the Human Gene Mutation Database (HGMD: prior to June 1st, 2018), and was therefore a candidate for classification through an automated scoring system. Utilizing variant allele frequency, disease prevalence and penetrance estimates, and inheritance mode, an automated score was calculated to assess if this variant is too frequent to cause the disease. Based on the score and internal cut-off values, a variant classified as benign is not then subjected to further curation. The score for this variant resulted in a classification of benign for this disease.

GeneDx
Classification: Benign. Last evaluated: 2016-03-03. Review status: criteria provided, single submitter. Criteria: GeneDx Variant Classification (06012015). Collection method: clinical testing. Allele origin: germline. Affected: yes.
Comment: This variant is considered likely benign or benign based on one or more of the following criteria: it is a conservative change, it occurs at a poorly conserved position in the protein, it is predicted to be benign by multiple in silico algorithms, and/or has population frequency not consistent with disease.

Breakthrough Genomics
Classification: Benign. Review status: criteria provided, single submitter. Criteria: ACMG Guidelines, 2015. Collection method: not provided. Allele origin: germline. Inheritance: Autosomal recessive inheritance. Affected: yes.

PreventionGenetics, part of Exact Sciences
Classification: Benign. Review status: criteria provided, single submitter. Criteria: ACMG Guidelines, 2015. Collection method: clinical testing. Allele origin: germline.

Natera, Inc.
Classification: Benign for Ellis-van Creveld syndrome. Last evaluated: 2020-09-16. Review status: no assertion criteria provided. Collection method: clinical testing. Allele origin: germline. Not counted in ClinVar's aggregate classification.

NM_153717.3(EVC):c.1068A>G (p.Leu356=)

Gene: EVC (EvC ciliary complex subunit 1; plus strand). Cytogenetic location: 4p16.2.
Variant type: single nucleotide variant.
Coding change: c.1068A>G on transcript NM_153717.3 (MANE Select); coding-DNA position 1068, A replaced by G.
Protein change: p.Leu356=; no amino-acid change (leucine 356 retained).
Molecular consequence: synonymous variant.
Genome position (GRCh38, 1-based): chr4:5,748,276, A>G. VCF-style: chr4-5748276-A-G. GRCh37 (hg19) VCF-style: chr4-5750003-A-G.
Other names: c.1068A>G, p.Leu356= (NM_001306090.2, NM_001306092.2).
Identifiers: ClinVar variation 262762 (VCV000262762.24), dbSNP rs33929747, ClinGen allele CA2835974.